The following is an entry in ClinVar:

NM_182961.4(SYNE1):c.3958A>G (p.Thr1320Ala)

Gene: SYNE1 (spectrin repeat containing nuclear envelope protein 1; minus strand). Cytogenetic location: 6q25.2.
Variant type: single nucleotide variant.
Coding change: c.3958A>G on transcript NM_182961.4 (MANE Select); coding-DNA position 3958, A replaced by G.
Protein change: p.Thr1320Ala; replaces threonine 1320 with alanine.
Molecular consequence: missense variant.
Genome position (GRCh38, 1-based): chr6:152,442,125, T>C on the plus strand (A>G on the coding strand, the complement: SYNE1 is on the minus strand). VCF-style: chr6-152442125-T-C. GRCh37 (hg19) VCF-style: chr6-152763260-T-C.
Other names: c.3979A>G, p.Thr1327Ala (NM_033071.5); short protein forms T1327A, T1320A.
Identifiers: ClinVar variation 2149618 (VCV002149618.4), dbSNP rs753921450, ClinGen allele CA366146549.

ClinVar aggregate classification (germline): Uncertain significance (1 of 4 stars; one submission).

Conditions:
Autosomal recessive ataxia, Beauce type. Also called: SYNE1-Related Autosomal Recessive Cerebellar Ataxia; Spinocerebellar ataxia, autosomal recessive 8; ATAXIA, RECESSIVE, OF BEAUCE; SYNE1 Deficiency. Identifiers: Orphanet 88644, MedGen C1853116, MONDO:0012549, OMIM 610743.
Emery-Dreifuss muscular dystrophy 4, autosomal dominant (EDMD4). Also called: EMERY-DREIFUSS MUSCULAR DYSTROPHY 4 WITH VARIABLE FEATURES. Identifiers: Orphanet 261, MedGen C2751807, MONDO:0013071, OMIM 612998.

gnomAD v4.1: 2 of 1,614,078 alleles (0.00012%); highest among the groups gnomAD compares: South Asian, 0.0011%; no homozygotes.

Submission:

Labcorp Genetics (formerly Invitae), Labcorp
Classification: Uncertain significance for Emery-Dreifuss muscular dystrophy 4, autosomal dominant; Autosomal recessive ataxia, Beauce type. Last evaluated: 2022-06-02. Review status: criteria provided, single submitter. Criteria: Invitae Variant Classification Sherloc (09022015). Collection method: clinical testing. Allele origin: germline.
Comment: In summary, the available evidence is currently insufficient to determine the role of this variant in disease. Therefore, it has been classified as a Variant of Uncertain Significance. Algorithms developed to predict the effect of missense changes on protein structure and function output the following: SIFT: "Deleterious"; PolyPhen-2: "Benign"; Align-GVGD: "Class C0". The alanine amino acid residue is found in multiple mammalian species, which suggests that this missense change does not adversely affect protein function. This variant has not been reported in the literature in individuals affected with SYNE1-related conditions. This variant is not present in population databases (gnomAD no frequency). This sequence change replaces threonine, which is neutral and polar, with alanine, which is neutral and non-polar, at codon 1327 of the SYNE1 protein (p.Thr1327Ala).